The following is an entry in ClinVar:

ClinVar aggregate classification (germline): Uncertain significance (1 of 4 stars; one submission).

Conditions:
Inborn genetic diseases. Identifiers: MedGen C0950123, MeSH D030342.

Submission:

Ambry Genetics
Classification: Uncertain significance for Inborn genetic diseases. Last evaluated: 2020-01-31. Review status: criteria provided, single submitter. Criteria: Ambry Variant Classification Scheme 2023. Collection method: clinical testing. Allele origin: germline.
Comment: The alteration results in an amino acid change:_x000D_ _x000D_ The c.6620G>A (p.R2207K) alteration is located in exon 8 (coding exon 7) of the ZNF462 gene. This alteration results from a G to A substitution at nucleotide position 6620, causing the arginine (R) at amino acid position 2207 to be replaced by a lysine (K). The alteration is not observed in population databases: _x000D_ _x000D_ Based on data from the Genome Aggregation Database (gnomAD), the ZNF462 c.6620G>A alteration was not observed, with coverage at this position. The altered amino acid is conserved throughout evolution:_x000D_ _x000D_ The R2207 amino acid is conserved in available vertebrate species. The alteration is predicted benign by in silico models:_x000D_ _x000D_ The R2207K alteration is predicted to be tolerated by in silico analysis. Based on insufficient or conflicting evidence, the clinical significance of this alteration remains unclear.

NM_021224.6(ZNF462):c.6620G>A (p.Arg2207Lys)

Gene: ZNF462 (zinc finger protein 462; plus strand). Cytogenetic location: 9q31.2.
Variant type: single nucleotide variant.
Coding change: c.6620G>A on transcript NM_021224.6 (MANE Select); coding-DNA position 6620, G replaced by A.
Protein change: p.Arg2207Lys; replaces arginine 2207 with lysine.
Molecular consequence: missense variant.
Genome position (GRCh38, 1-based): chr9:106,972,197, G>A. VCF-style: chr9-106972197-G-A. GRCh37 (hg19) VCF-style: chr9-109734478-G-A.
Other names: c.4025G>A, p.Arg1342Lys (NM_001347997.2); short protein forms R1342K, R2207K.
Identifiers: ClinVar variation 985639 (VCV000985639.4), dbSNP rs1826655715, ClinGen allele CA374659772.